The following is an entry in ClinVar:

ClinVar aggregate classification (germline): Conflicting classifications of pathogenicity. Review status: criteria provided, conflicting classifications (1 of 4 stars). 4 submissions from 4 submitters: Uncertain significance (1); Likely benign (3). Last evaluated 2026-03-05.

Conditions:
SMARCA4-related disorder. Also called: SMARCA4-related condition.
Hereditary cancer-predisposing syndrome. Also called: Neoplastic Syndromes, Hereditary; Hereditary Cancer Syndrome; Tumor predisposition; Hereditary neoplastic syndrome. Identifiers: Orphanet 140162, MedGen C0027672, MeSH D009386, MONDO:0015356.
Intellectual disability, autosomal dominant 16 (CSS4). Also called: COFFIN-SIRIS SYNDROME 4. Identifiers: Orphanet 1465, MedGen C3553249, MONDO:0013821, OMIM 614609.
Rhabdoid tumor predisposition syndrome 2 (RTPS2). Identifiers: Orphanet 231108, Orphanet 69077, MedGen C2750074, MONDO:0013224, OMIM 613325.

Allele frequency attached by ClinVar (database versions not stated): gnomAD exomes 0.00004 and 0.00010; ExAC 0.00019.
gnomAD v4.1: 58 of 1,550,756 alleles (0.0037%); highest among the groups gnomAD compares: South Asian, 0.063%; 1 homozygote.

Submissions (4):

PreventionGenetics, part of Exact Sciences
Classification: Likely benign for SMARCA4-related condition. Last evaluated: 2026-03-05. Review status: criteria provided, single submitter. Criteria: ACMG Guidelines, 2015. Collection method: clinical testing. Allele origin: germline.
Comment: This variant is classified as likely benign based on ACMG/AMP sequence variant interpretation guidelines (Richards et al. 2015 PMID: 25741868, with internal and published modifications).

Labcorp Genetics (formerly Invitae), Labcorp
Classification: Likely benign for Rhabdoid tumor predisposition syndrome 2. Last evaluated: 2025-08-10. Review status: criteria provided, single submitter. Criteria: Invitae Variant Classification Sherloc (09022015). Collection method: clinical testing. Allele origin: germline.

Ambry Genetics
Classification: Likely benign for Hereditary cancer-predisposing syndrome. Last evaluated: 2021-08-18. Review status: criteria provided, single submitter. Criteria: Ambry Variant Classification Scheme 2023. Collection method: clinical testing. Allele origin: germline.

Genome-Nilou Lab
Classification: Uncertain significance for Intellectual disability, autosomal dominant 16. Last evaluated: 2021-07-15. Review status: criteria provided, single submitter. Criteria: ACMG Guidelines, 2015. Collection method: clinical testing. Allele origin: germline. Affected: no.

NM_003072.5(SMARCA4):c.655A>G (p.Thr219Ala)

Gene: SMARCA4 (SWI/SNF related BAF chromatin remodeling complex subunit ATPase 4; plus strand). Cytogenetic location: 19p13.2.
Variant type: single nucleotide variant.
Coding change: c.655A>G on transcript NM_003072.5 (MANE Select); coding-DNA position 655, A replaced by G.
Protein change: p.Thr219Ala; replaces threonine 219 with alanine.
Molecular consequence: missense variant. On other transcripts: non-coding transcript variant (1).
Genome position (GRCh38, 1-based): chr19:10,986,488, A>G. VCF-style: chr19-10986488-A-G. GRCh37 (hg19) VCF-style: chr19-11097164-A-G.
Other names: c.655A>G, p.Thr219Ala (NM_001128844.3, NM_001128845.2, NM_001128846.2 and 5 more transcripts); short protein forms T219A.
Identifiers: ClinVar variation 480572 (VCV000480572.18), dbSNP rs774085664, ClinGen allele CA9203538.